The following is an entry in ClinVar:

NM_000393.5(COL5A2):c.851C>T (p.Pro284Leu)

Gene: COL5A2 (collagen type V alpha 2 chain; minus strand). Cytogenetic location: 2q32.2.
Variant type: single nucleotide variant.
Coding change: c.851C>T on transcript NM_000393.5 (MANE Select); coding-DNA position 851, C replaced by T.
Protein change: p.Pro284Leu; replaces proline 284 with leucine.
Molecular consequence: missense variant.
Genome position (GRCh38, 1-based): chr2:189,083,985, G>A on the plus strand (C>T on the coding strand, the complement: COL5A2 is on the minus strand). VCF-style: chr2-189083985-G-A. GRCh37 (hg19) VCF-style: chr2-189948711-G-A.
Other names: short protein forms P284L.
Identifiers: ClinVar variation 333147 (VCV000333147.31), dbSNP rs540573303, ClinGen allele CA2022935.
Genomic context (GRCh38, chr2:189,083,985, plus strand): 5'-GATTTAATTCAATGTTCTTTATTTTTCAAAGTTTGCCTTTATGTTGAGTATAAACTTACC[G>A]GAGATCCTGCAAATCCCACTTCACCAGGATTTCCATTTCTGCCAGGTTCACCCTTTATGG-3'
Protein context (NP_000384.2, residues 274-294): NPGEVGFAGS[Pro284Leu]GARGFPGAPG

ClinVar aggregate classification (germline): Conflicting classifications of pathogenicity. Review status: criteria provided, conflicting classifications (1 of 4 stars). 8 submissions from 8 submitters: Uncertain significance (3); Likely benign (5). Last evaluated 2026-03-02.

Conditions:
Ehlers-Danlos syndrome, classic type, 1 (EDSCL1). Also called: Ehlers-Danlos Syndrome, Classic Type, COL5A1-Related; EDS I; EHLERS-DANLOS SYNDROME, GRAVIS TYPE; EHLERS-DANLOS SYNDROME, SEVERE CLASSIC TYPE; Ehlers-Danlos syndrome, type 1. Identifiers: MedGen C0268335, MONDO:0019567, OMIM 130000.
Ehlers-Danlos syndrome, classic type, 2 (EDSCL2). Also called: Ehlers-Danlos Syndrome, Classic Type, COL5A2-Related; Ehlers-Danlos syndrome type 2 (formerly); Ehlers-Danlos syndrome, type 2. Identifiers: Orphanet 287, Orphanet 90318, MedGen C0268336, MONDO:0019568, OMIM 130010.
Ehlers-Danlos syndrome (EDS). Identifiers: Orphanet 98249, MedGen C0013720, MONDO:0020066.
Familial thoracic aortic aneurysm and aortic dissection (TAAD). Also called: Thoracic aortic aneurysms and dissections. Identifiers: Orphanet 91387, MedGen C4707243, MONDO:0019625.

Allele frequency attached by ClinVar (database versions not stated): TOPMed 0.00002; gnomAD 0.00004 and 0.00008; gnomAD exomes 0.00008 and 0.00015; ExAC 0.00013; 1000 Genomes Project 30x 0.00016; 1000 Genomes Project 0.00020.
gnomAD v4.1: 137 of 1,610,716 alleles (0.0085%); highest among the groups gnomAD compares: South Asian, 0.086%; no homozygotes.

Submissions (8):

Women's Health and Genetics/Laboratory Corporation of America, LabCorp
Classification: Likely benign. Last evaluated: 2026-03-02. Review status: criteria provided, single submitter. Criteria: LabCorp Variant Classification Summary - May 2015. Collection method: clinical testing. Allele origin: germline.
Comment: Variant summary: COL5A2 c.851C>T (p.Pro284Leu) results in a non-conservative amino acid change in the encoded protein sequence. Algorithms developed to predict the effect of missense changes on protein structure and function all suggest that this variant is likely to be disruptive. Consensus agreement among computation tools predict no significant impact on normal splicing. However, these predictions have yet to be confirmed by functional studies. The variant allele was found at a frequency of 0.00015 in 251310 control chromosomes, predominantly at a frequency of 0.00085 within the South Asian subpopulation in the gnomAD database. The observed variant frequency within South Asian control individuals in the gnomAD database exceeds the estimated maximal expected allele frequency for disease-causing variants in COL5A2. To our knowledge, no occurrence of c.851C>T in individuals affected with COL5A2-related conditions and no experimental evidence demonstrating its impact on protein function have been reported. ClinVar contains an entry for this variant (Variation ID: 333147). Based on the evidence outlined above, the variant was classified as likely benign.

Labcorp Genetics (formerly Invitae), Labcorp
Classification: Likely benign for Ehlers-Danlos syndrome, classic type, 1. Last evaluated: 2025-12-10. Review status: criteria provided, single submitter. Criteria: Invitae Variant Classification Sherloc (09022015). Collection method: clinical testing. Allele origin: germline.

GeneDx
Classification: Uncertain significance. Last evaluated: 2025-06-10. Review status: criteria provided, single submitter. Criteria: GeneDx Variant Classification Process June 2021. Collection method: clinical testing. Allele origin: germline. Affected: yes.
Comment: Reported in a patient with ischemic stroke in published literature; however, no further clinical information was provided (PMID: 36973604); In silico analysis supports that this missense variant has a deleterious effect on protein structure/function; This variant is associated with the following publications: (PMID: 36973604)

Blueprint Genetics
Classification: Likely benign. Last evaluated: 2024-10-08. Review status: criteria provided, single submitter. Criteria: ACMG Guidelines, 2015. Collection method: clinical testing. Allele origin: germline.

Ambry Genetics
Classification: Uncertain significance for Familial thoracic aortic aneurysm and aortic dissection. Last evaluated: 2022-02-17. Review status: criteria provided, single submitter. Criteria: Ambry Variant Classification Scheme 2023. Collection method: clinical testing. Allele origin: germline.

ARUP Laboratories, Molecular Genetics and Genomics, ARUP Laboratories
Classification: Likely benign for Ehlers-Danlos syndrome, classic type, 2. Last evaluated: 2021-07-21. Review status: criteria provided, single submitter. Criteria: ARUP Molecular Germline Variant Investigation Process 2021. Collection method: clinical testing. Allele origin: germline.

Genome Diagnostics Laboratory, The Hospital for Sick Children
Classification: Uncertain significance for Ehlers-Danlos syndrome. Last evaluated: 2020-04-01. Review status: criteria provided, single submitter. Criteria: ACMG Guidelines, 2015. Collection method: clinical testing. Allele origin: germline.

Illumina Laboratory Services, Illumina
Classification: Likely benign for Ehlers-Danlos syndrome, classic type, 2. Last evaluated: 2018-01-13. Review status: criteria provided, single submitter. Criteria: ICSL Variant Classification Criteria 13 December 2019. Collection method: clinical testing. Allele origin: germline.
Comment: This variant was observed in the ICSL laboratory as part of a predisposition screen in an ostensibly healthy population. It had not been previously curated by ICSL or reported in the Human Gene Mutation Database (HGMD: prior to June 1st, 2018), and was therefore a candidate for classification through an automated scoring system. Utilizing variant allele frequency, disease prevalence and penetrance estimates, and inheritance mode, an automated score was calculated to assess if this variant is too frequent to cause the disease. Based on the score and internal cut-off values, a variant classified as likely benign is not then subjected to further curation. The score for this variant resulted in a classification of likely benign for this disease.